The following is an entry in ClinVar:

ClinVar aggregate classification (germline): Likely pathogenic. Review status: criteria provided, multiple submitters, no conflicts (2 of 4 stars). 2 submissions from 2 submitters: Likely pathogenic (2). Last evaluated 2023-09-07.

Conditions:
Arrhythmogenic right ventricular dysplasia 8 (ARVD8). Also called: Arrhythmogenic Right Ventricular Dysplasia/Cardiomyopathy 8; ARRHYTHMOGENIC RIGHT VENTRICULAR DYSPLASIA, FAMILIAL, 8; ARRHYTHMOGENIC RIGHT VENTRICULAR CARDIOMYOPATHY 8. Identifiers: MedGen C1843896, MONDO:0011831, OMIM 607450.
Arrhythmogenic cardiomyopathy with wooly hair and keratoderma. Also called: Dilated cardiomyopathy with woolly hair and keratoderma; Carvajal syndrome; Arrhythmogenic cardiomyopathy with woolly hair and keratoderma; PALMOPLANTAR KERATODERMA WITH LEFT VENTRICULAR CARDIOMYOPATHY AND WOOLLY HAIR. Identifiers: Orphanet 65282, MedGen C1854063, MONDO:0011581, OMIM 605676.

Submissions (2):

GeneDx
Classification: Likely pathogenic. Last evaluated: 2023-09-07. Review status: criteria provided, single submitter. Criteria: GeneDx Variant Classification Process June 2021. Collection method: clinical testing. Allele origin: germline. Affected: yes.
Comment: Canonical splice site variant predicted to result in an in-frame loss of the adjacent exon in a gene for which loss of function is a known mechanism of disease; Not observed at significant frequency in large population cohorts (gnomAD); Has not been previously published as pathogenic or benign to our knowledge

Labcorp Genetics (formerly Invitae), Labcorp
Classification: Likely pathogenic for Arrhythmogenic cardiomyopathy with wooly hair and keratoderma; Arrhythmogenic right ventricular dysplasia 8. Last evaluated: 2021-07-08. Review status: criteria provided, single submitter. Criteria: Invitae Variant Classification Sherloc (09022015). Collection method: clinical testing. Allele origin: germline.
Comment: This variant is not present in population databases (ExAC no frequency). This sequence change affects a donor splice site in intron 20 of the DSP gene. It is expected to disrupt RNA splicing. Variants that disrupt the donor or acceptor splice site typically lead to a loss of protein function (PMID: 16199547), and loss-of-function variants in DSP are known to be pathogenic (PMID: 20716751, 24503780, 25227139). This variant has not been reported in the literature in individuals affected with DSP-related conditions. Algorithms developed to predict the effect of sequence changes on RNA splicing suggest that this variant may disrupt the consensus splice site. In summary, the currently available evidence indicates that the variant is pathogenic, but additional data are needed to prove that conclusively. Therefore, this variant has been classified as Likely Pathogenic.

Literature cited by the submitters: PubMed 16199547 (cited by Labcorp Genetics (formerly Invitae), Labcorp); PubMed 20716751 (cited by Labcorp Genetics (formerly Invitae), Labcorp); PubMed 24503780 (cited by Labcorp Genetics (formerly Invitae), Labcorp); PubMed 25227139 (cited by Labcorp Genetics (formerly Invitae), Labcorp).

NM_004415.4(DSP):c.2877+2T>C

Gene: DSP (desmoplakin; plus strand). Cytogenetic location: 6p24.3.
Variant type: single nucleotide variant.
Coding change: c.2877+2T>C on transcript NM_004415.4 (MANE Select); the canonical splice donor site of the intron after coding-DNA position 2877, T replaced by C.
Molecular consequence: splice donor variant.
Genome position (GRCh38, 1-based): chr6:7,577,044, T>C. VCF-style: chr6-7577044-T-C. GRCh37 (hg19) VCF-style: chr6-7577277-T-C.
Other names: c.2877+2T>C (NM_001319034.2, NM_001008844.3).
Identifiers: ClinVar variation 1520714 (VCV001520714.7), dbSNP rs2113687807, ClinGen allele CA362682341.